The following is an entry in ClinVar:

NM_000238.4(KCNH2):c.2980G>A (p.Val994Met)

Gene: KCNH2 (potassium voltage-gated channel subfamily H member 2; minus strand). Cytogenetic location: 7q36.1.
Variant type: single nucleotide variant.
Coding change: c.2980G>A on transcript NM_000238.4 (MANE Select); coding-DNA position 2980, G replaced by A.
Protein change: p.Val994Met; replaces valine 994 with methionine.
Molecular consequence: missense variant. On other transcripts: non-coding transcript variant (2).
Genome position (GRCh38, 1-based): chr7:150,947,500, C>T on the plus strand (G>A on the coding strand, the complement: KCNH2 is on the minus strand). VCF-style: chr7-150947500-C-T. GRCh37 (hg19) VCF-style: chr7-150644588-C-T.
Other names: c.2692G>A, p.Val898Met (NM_001406753.1); c.1960G>A, p.Val654Met (NM_172057.3); short protein forms V994M, V654M, V898M.
Identifiers: ClinVar variation 3544410 (VCV003544410.2).

ClinVar aggregate classification (germline): Likely pathogenic (1 of 4 stars; one submission).

Conditions:
Long QT syndrome 2 (LQT2). Identifiers: Orphanet 101016, Orphanet 768, MedGen C3150943, MONDO:0013367, OMIM 613688.

Submission:

Molecular Genetics Laboratory, Motol Hospital
Classification: Likely pathogenic for Long QT syndrome 2. Last evaluated: 2025-01-08. Review status: criteria provided, single submitter. Criteria: ACMG Guidelines, 2015. Collection method: clinical testing. Allele origin: germline. Affected: yes. Observed: 1 variant allele.
Comment: missense variant located in a mutational hotspot (PM1), rare variant not present in gnomAD population (v4.1.0) (PM2), missense variant in a gene with low rate of benign missense mutations and for which missense mutation is a common mechanism of a disease (PP2), in silico prediction tools support the deleterious effect of this missense variant on the protein (PP3); ACMG PM1, PM2, PP2, PP3